The following continues an entry in ClinVar:

NM_015001.3(SPEN):c.1244-3C>A

Gene: SPEN. ClinVar aggregate classification (germline): Benign.

Submissions 31 to 55 of 55:

Dr. Peter K. Rogan Lab, Western University
No classification provided (evidence only). Condition: Familial pancreatic carcinoma. Review status: no classification provided. Collection method: in vitro. Allele origin: not applicable. Functional consequence: retained intron. Not counted in ClinVar's aggregate classification.

Dr. Peter K. Rogan Lab, Western University
No classification provided (evidence only). Condition: Familial pancreatic carcinoma. Review status: no classification provided. Collection method: in vitro. Allele origin: not applicable. Functional consequence: skipped exon, retained intron. Not counted in ClinVar's aggregate classification.

Dr. Peter K. Rogan Lab, Western University
No classification provided (evidence only). Condition: Familial pancreatic carcinoma. Review status: no classification provided. Collection method: in vitro. Allele origin: not applicable. Functional consequence: retained intron. Not counted in ClinVar's aggregate classification.

Dr. Peter K. Rogan Lab, Western University
No classification provided (evidence only). Condition: Familial pancreatic carcinoma. Review status: no classification provided. Collection method: in vitro. Allele origin: not applicable. Functional consequence: retained intron. Not counted in ClinVar's aggregate classification.

Dr. Peter K. Rogan Lab, Western University
No classification provided (evidence only). Condition: Familial pancreatic carcinoma. Review status: no classification provided. Collection method: in vitro. Allele origin: not applicable. Functional consequence: retained intron. Not counted in ClinVar's aggregate classification.

Dr. Peter K. Rogan Lab, Western University
No classification provided (evidence only). Condition: Familial pancreatic carcinoma. Review status: no classification provided. Collection method: in vitro. Allele origin: not applicable. Functional consequence: retained intron. Not counted in ClinVar's aggregate classification.

Dr. Peter K. Rogan Lab, Western University
No classification provided (evidence only). Condition: Familial pancreatic carcinoma. Review status: no classification provided. Collection method: in vitro. Allele origin: not applicable. Functional consequence: skipped exon, retained intron. Not counted in ClinVar's aggregate classification.

Dr. Peter K. Rogan Lab, Western University
No classification provided (evidence only). Condition: Familial pancreatic carcinoma. Review status: no classification provided. Collection method: in vitro. Allele origin: not applicable. Functional consequence: retained intron. Not counted in ClinVar's aggregate classification.

Dr. Peter K. Rogan Lab, Western University
No classification provided (evidence only). Condition: Familial pancreatic carcinoma. Review status: no classification provided. Collection method: in vitro. Allele origin: not applicable. Functional consequence: retained intron. Not counted in ClinVar's aggregate classification.

Dr. Peter K. Rogan Lab, Western University
No classification provided (evidence only). Condition: Familial pancreatic carcinoma. Review status: no classification provided. Collection method: in vitro. Allele origin: not applicable. Functional consequence: retained intron. Not counted in ClinVar's aggregate classification.

Dr. Peter K. Rogan Lab, Western University
No classification provided (evidence only). Condition: Lymphoma. Review status: no classification provided. Collection method: in vitro. Allele origin: not applicable. Functional consequence: retained intron. Not counted in ClinVar's aggregate classification.

Dr. Peter K. Rogan Lab, Western University
No classification provided (evidence only). Condition: Lymphoma. Review status: no classification provided. Collection method: in vitro. Allele origin: not applicable. Functional consequence: retained intron. Not counted in ClinVar's aggregate classification.

Dr. Peter K. Rogan Lab, Western University
No classification provided (evidence only). Condition: Lymphoma. Review status: no classification provided. Collection method: in vitro. Allele origin: not applicable. Functional consequence: retained intron. Not counted in ClinVar's aggregate classification.

Dr. Peter K. Rogan Lab, Western University
No classification provided (evidence only). Condition: Ovarian cancer. Review status: no classification provided. Collection method: in vitro. Allele origin: not applicable. Functional consequence: skipped exon, retained intron. Not counted in ClinVar's aggregate classification.

Dr. Peter K. Rogan Lab, Western University
No classification provided (evidence only). Condition: Ovarian cancer. Review status: no classification provided. Collection method: in vitro. Allele origin: not applicable. Functional consequence: skipped exon, retained intron. Not counted in ClinVar's aggregate classification.

Dr. Peter K. Rogan Lab, Western University
No classification provided (evidence only). Condition: Ovarian cancer. Review status: no classification provided. Collection method: in vitro. Allele origin: not applicable. Functional consequence: retained intron. Not counted in ClinVar's aggregate classification.

Dr. Peter K. Rogan Lab, Western University
No classification provided (evidence only). Condition: Ovarian cancer. Review status: no classification provided. Collection method: in vitro. Allele origin: not applicable. Functional consequence: retained intron. Not counted in ClinVar's aggregate classification.

Dr. Peter K. Rogan Lab, Western University
No classification provided (evidence only). Condition: Ovarian cancer. Review status: no classification provided. Collection method: in vitro. Allele origin: not applicable. Functional consequence: retained intron. Not counted in ClinVar's aggregate classification.

Dr. Peter K. Rogan Lab, Western University
No classification provided (evidence only). Condition: Colorectal cancer. Review status: no classification provided. Collection method: in vitro. Allele origin: not applicable. Functional consequence: retained intron. Not counted in ClinVar's aggregate classification.

Dr. Peter K. Rogan Lab, Western University
No classification provided (evidence only). Condition: Colorectal cancer. Review status: no classification provided. Collection method: in vitro. Allele origin: not applicable. Functional consequence: retained intron. Not counted in ClinVar's aggregate classification.

Dr. Peter K. Rogan Lab, Western University
No classification provided (evidence only). Condition: Colorectal cancer. Review status: no classification provided. Collection method: in vitro. Allele origin: not applicable. Functional consequence: retained intron. Not counted in ClinVar's aggregate classification.

Dr. Peter K. Rogan Lab, Western University
No classification provided (evidence only). Condition: Colorectal cancer. Review status: no classification provided. Collection method: in vitro. Allele origin: not applicable. Functional consequence: retained intron. Not counted in ClinVar's aggregate classification.

Dr. Peter K. Rogan Lab, Western University
No classification provided (evidence only). Condition: Malignant lymphoma, large B-cell, diffuse. Review status: no classification provided. Collection method: in vitro. Allele origin: not applicable. Functional consequence: retained intron. Not counted in ClinVar's aggregate classification.

Dr. Peter K. Rogan Lab, Western University
No classification provided (evidence only). Condition: Thymoma. Review status: no classification provided. Collection method: in vitro. Allele origin: not applicable. Functional consequence: skipped exon. Not counted in ClinVar's aggregate classification.

Dr. Peter K. Rogan Lab, Western University
No classification provided (evidence only). Condition: Thymoma. Review status: no classification provided. Collection method: in vitro. Allele origin: not applicable. Functional consequence: retained intron. Not counted in ClinVar's aggregate classification.